The following is an entry in ClinVar:

NM_014049.5(ACAD9):c.1552C>T (p.Arg518Cys)

Gene: ACAD9 (acyl-CoA dehydrogenase family member 9; plus strand). Cytogenetic location: 3q21.3.
Variant type: single nucleotide variant.
Coding change: c.1552C>T on transcript NM_014049.5 (MANE Select); coding-DNA position 1552, C replaced by T.
Protein change: p.Arg518Cys; replaces arginine 518 with cysteine.
Molecular consequence: missense variant. On other transcripts: non-coding transcript variant (1).
Genome position (GRCh38, 1-based): chr3:128,909,410, C>T. VCF-style: chr3-128909410-C-T. GRCh37 (hg19) VCF-style: chr3-128628253-C-T.
Other names: short protein forms R518C.
Identifiers: ClinVar variation 242461 (VCV000242461.34), dbSNP rs150283105, ClinGen allele CA353821.
Genomic context (GRCh38, chr3:128,909,410, plus strand): 5'-GCCAACAAGTTTGAGGAGAACACCTACTGCTTCGGCCGGACCGTGGAGACACTGCTGCTC[C>T]GCTTTGGCAAGGTAACCAGGCCCTCCCAGGCCTGGGTCGCAAGCGGTCCTCCAATTTGGC-3'
Protein context (NP_054768.2, residues 508-528): FGRTVETLLL[Arg518Cys]FGKTIMEEQL

ClinVar aggregate classification (germline): Pathogenic/Likely pathogenic. Review status: criteria provided, multiple submitters, no conflicts (2 of 4 stars). 13 submissions from 13 submitters: Pathogenic (8); Likely pathogenic (5). Last evaluated 2026-01-20.

Conditions:
ACAD9-related disorder. Also called: ACAD9-related condition.
Mitochondrial complex I deficiency. Also called: NADH:Q(1) OXIDOREDUCTASE DEFICIENCY. Identifiers: Orphanet 2609, MedGen C1838979, MeSH C537475, MONDO:0100133.
Acyl-CoA dehydrogenase 9 deficiency. Also called: MITOCHONDRIAL COMPLEX I DEFICIENCY, NUCLEAR TYPE 20; Acyl-CoA dehydrogenase family, member 9, deficiency of. Identifiers: Orphanet 99901, MedGen C4747517, MONDO:0012624, OMIM 611126.

Allele frequency attached by ClinVar (database versions not stated): gnomAD exomes 0.00007; ExAC 0.00011; gnomAD 0.00014 and 0.00015; 1000 Genomes Project 30x 0.00016; TOPMed 0.00017; 1000 Genomes Project 0.00020; ESP Exome Variant Server 0.00038.

Submissions (13):

Labcorp Genetics (formerly Invitae), Labcorp
Classification: Pathogenic. Last evaluated: 2026-01-20. Review status: criteria provided, single submitter. Criteria: Invitae Variant Classification Sherloc (09022015). Collection method: clinical testing. Allele origin: germline.
Comment: This sequence change replaces arginine, which is basic and polar, with cysteine, which is neutral and slightly polar, at codon 518 of the ACAD9 protein (p.Arg518Cys). This variant is present in population databases (rs150283105, gnomAD 0.01%). This missense change has been observed in individual(s) with mitochondrial complex I deficiency (PMID: 25721401, 26669660, 27290639, 28279569). In at least one individual the data is consistent with being in trans (on the opposite chromosome) from a pathogenic variant. ClinVar contains an entry for this variant (Variation ID: 242461). An algorithm developed to predict the effect of missense changes on protein structure and function outputs the following: PolyPhen-2: "Possibly Damaging". The cysteine amino acid residue is found in multiple mammalian species, which suggests that this missense change does not adversely affect protein function. Experimental studies have shown that this missense change affects ACAD9 function (PMID: 25721401). This variant disrupts the p.Arg518 amino acid residue in ACAD9. Other variant(s) that disrupt this residue have been determined to be pathogenic (PMID: 20816094, 25721401, 26669660). This suggests that this residue is clinically significant, and that variants that disrupt this residue are likely to be disease-causing. For these reasons, this variant has been classified as Pathogenic.

Natera, Inc.
Classification: Pathogenic for ACAD9 deficiency. Last evaluated: 2025-12-04. Review status: criteria provided, single submitter. Criteria: Natera Variant Classification Schema (03/2026). Collection method: clinical testing. Allele origin: germline.
Comment: The c.1552C>T variant in ACAD9 is a missense variant predicted to cause substitution of arginine to cysteine at amino acid 518. This variant is rare in the general population with a frequency below the threshold expected for the associated phenotype(s). This variant has been observed in one or more individuals affected with the associated recessive disease, as either homozygous or compound heterozygous with a second variant (PMID: 30025539, 33587123). A different variant at the same position has been determined to be Pathogenic or Likely Pathogenic. Computational prediction algorithms indicate this variant is likely to affect gene or protein function. Given the available evidence, this variant is classified as Pathogenic.

Revvity Omics, Revvity
Classification: Likely pathogenic for Acyl-CoA dehydrogenase 9 deficiency. Last evaluated: 2025-06-16. Review status: criteria provided, single submitter. Criteria: ACMG Guidelines, 2015. Collection method: clinical testing. Allele origin: germline.

Dasa
Classification: Pathogenic. Last evaluated: 2025-02-03. Review status: criteria provided, single submitter. Criteria: DASA Assertion Criteria. Collection method: clinical testing. Allele origin: germline.
Comment: NM_014049.5(ACAD9):c.1552C>T (p.Arg518Cys) is a missense variant that results in the substitution of arginine with cysteine. The affected residue or protein region has prior evidence supporting clinical relevance. Segregation evidence has been reported in affected families. This variant has been observed in affected individuals with related phenotype in a genotype context consistent with recessive disease (PMID: 25721401; PMID: 27290639; PMID: 30025539; PMID: 31658717; PMID: 32746448). Functional evidence supports a deleterious effect on the gene or gene product (PMID: 25721401; PMID: 27290639; PMID: 30025539; PMID: 31658717; PMID: 32746448). This variant has been recurrently observed in individuals with related phenotype (PMID: 25721401; PMID: 27290639; PMID: 30025539; PMID: 31658717; PMID: 32746448). The variant is present at low frequency in population datasets. Based on the available data, this variant is classified as pathogenic.

Blueprint Genetics
Classification: Pathogenic for ACAD9-related disorders. Last evaluated: 2024-10-31. Review status: criteria provided, single submitter. Criteria: ACMG Guidelines, 2015. Collection method: clinical testing. Allele origin: germline. Affected: yes. Observed: 5 variant alleles.

Fulgent Genetics
Classification: Likely pathogenic for Acyl-CoA dehydrogenase 9 deficiency. Last evaluated: 2024-03-15. Review status: criteria provided, single submitter. Criteria: ACMG Guidelines, 2015. Collection method: clinical testing. Allele origin: germline.

Women's Health and Genetics/Laboratory Corporation of America, LabCorp
Classification: Pathogenic for Mitochondrial complex I deficiency. Last evaluated: 2024-02-12. Review status: criteria provided, single submitter. Criteria: LabCorp Variant Classification Summary - May 2015. Collection method: clinical testing. Allele origin: germline.
Comment: Variant summary: ACAD9 c.1552C>T (p.Arg518Cys) results in a non-conservative amino acid change located in the ACAD9/ACADV-like, C-terminal domain (IPR049448) of the encoded protein sequence. Five of five in-silico tools predict a damaging effect of the variant on protein function. The variant allele was found at a frequency of 7.2e-05 in 251378 control chromosomes (gnomAD). This frequency is not significantly higher than estimated for a pathogenic variant in ACAD9 causing Mitochondrial Complex I Deficiency, Nuclear Type 20 (7.2e-05 vs 0.0011), allowing no conclusion about variant significance. c.1552C>T has been reported in the literature as a compound heterozygous genotype in multiple individuals with features of exercise intolerance and/or cardiomyopathy, suspected mitochondrial disease, cardiac hypertrophy and isolated complex I deficiency, diagnosis of Primary Mitochondrial Disease (example, Schiff_2015, Pronicka_2016, Collet_2016, Bird_2019, Maron_2021). These data indicate that the variant is likely to be associated with disease. At least one publication reports experimental evidence evaluating an impact on protein function. The most pronounced variant effect results in mildly decreased activity at 70-80% of normal Acyl-CoA dehydrogenase 9 (ACAD9) activity in a prokaryotic expression system (example, Schiff_2015). The following publications have been ascertained in the context of this evaluation (PMID: 31658717, 26669660, 37432431, 27290639, 25721401). ClinVar contains an entry for this variant (Variation ID: 242461). Based on the evidence outlined above, the variant was classified as pathogenic.

PreventionGenetics, part of Exact Sciences
Classification: Likely pathogenic for ACAD9-related condition. Last evaluated: 2023-03-30. Review status: criteria provided, single submitter. Criteria: ACMG Guidelines, 2015. Collection method: clinical testing. Allele origin: germline.
Comment: The ACAD9 c.1552C>T variant is predicted to result in the amino acid substitution p.Arg518Cys. This variant has been reported in the compound heterozygous state in several individuals with features of ACAD9-related disorders (Pronicka E et al 2016. PubMed ID: 27290639; Repp et al. 2018. PubMed ID: 30025539; Bird et al. 2019. PubMed ID: 31658717; Burstein DS et al 2020. PubMed ID: 32746448; Maron JL et al 2021. PubMed ID: 33587123). Experimental studies suggest this variant impacts protein function (Schiff et al 2015. PubMed ID: 25721401). An alternate amino acid substitution at this position (p.Arg518Cys) has also been reported in patients with ACAD9-related disorders (Pronicka E et al 2016. PubMed ID: 27290639; Repp et al. 2018. PubMed ID: 30025539). This variant is reported in 0.013% of alleles in individuals of South Asian descent in gnomAD. This variant is interpreted as likely pathogenic.

GeneDx
Classification: Likely pathogenic. Last evaluated: 2023-02-09. Review status: criteria provided, single submitter. Criteria: GeneDx Variant Classification Process June 2021. Collection method: clinical testing. Allele origin: germline. Affected: yes.
Comment: In silico analysis supports that this missense variant has a deleterious effect on protein structure/function; Not observed at significant frequency in large population cohorts (gnomAD); This variant is associated with the following publications: (PMID: 27290639, 28279569, 25721401, 26669660, 20816094, 36007526, 35772644, 32746448, 33587123, 35641312)

MGZ Medical Genetics Center
Classification: Likely pathogenic for Acyl-CoA dehydrogenase 9 deficiency. Last evaluated: 2021-08-11. Review status: criteria provided, single submitter. Criteria: ACMG Guidelines, 2015. Collection method: clinical testing. Allele origin: germline. Affected: yes. Observed: 1 variant allele.
Comment: ACMG criteria applied: PM3, PM5, PS3_SUP, PM2_SUP, PP3

Genetics and Molecular Pathology, SA Pathology
Classification: Pathogenic for Acyl-CoA dehydrogenase 9 deficiency. Last evaluated: 2021-03-06. Review status: criteria provided, single submitter. Criteria: ACMG Guidelines, 2015. Collection method: clinical testing. Allele origin: germline. Inheritance: Autosomal recessive inheritance. Affected: yes.

Athena Diagnostics
Classification: Pathogenic. Last evaluated: 2019-10-11. Review status: criteria provided, single submitter. Criteria: Athena Diagnostics Criteria. Collection method: clinical testing. Allele origin: unknown.
Comment: This variant appears to segregate with disease in multiple families (PMID: 27290639, 28279569). This variant has been identified in at least one individual with clinical features associated with this gene. Computational tools yielded predictions that this amino acid change may be damaging to protein function. Assessment of experimental evidence indicates this variant has a detrimental effect on protein function (PMID: 25721401). At least one other missense variant at this codon is considered to be pathogenic or likely pathogenic. The frequency of this variant in the general population is uninformative, however, is consistent with pathogenicity for a recessive disorder.This observation is not an independent occurrence and has been identified in the same individual by RCIGM, the other laboratory participating in the GEMINI study.

Juno Genomics, Hangzhou Juno Genomics, Inc
Classification: Pathogenic for Acyl-CoA dehydrogenase 9 deficiency. Review status: criteria provided, single submitter. Criteria: ACMG Guidelines, 2015. Collection method: clinical testing. Allele origin: germline. Affected: yes.
Comment: Absent from controls (or at extremely low frequency if recessive) in Genome Aggregation Database, Exome Sequencing Project, 1000 Genomes Project, or Exome Aggregation Consortium.;For recessive disorders, detected in trans with a pathogenic variant.;Patient's phenotype or family history is highly specific for a disease with a single genetic etiology.;Well-established in vitro or in vivo functional studies supportive of a damaging effect on the gene or gene product.;Novel missense change at an amino acid residue where a different missense change determined to be pathogenic has been seen before.

Literature cited by the submitters: PubMed 25721401 (cited by 3 submitters); PubMed 26669660 (cited by Labcorp Genetics (formerly Invitae), Labcorp and Women's Health and Genetics/Laboratory Corporation of America, LabCorp); PubMed 27290639 (cited by 3 submitters); PubMed 28279569 (cited by Labcorp Genetics (formerly Invitae), Labcorp); PubMed 20816094 (cited by Labcorp Genetics (formerly Invitae), Labcorp); PubMed 30025539 (cited by Natera, Inc. and Dasa); PubMed 33587123 (cited by Natera, Inc. and Dasa); PubMed 31658717 (cited by Dasa and Women's Health and Genetics/Laboratory Corporation of America, LabCorp); PubMed 32746448 (cited by Dasa); PubMed 37432431 (cited by Women's Health and Genetics/Laboratory Corporation of America, LabCorp).